The following is an entry in ClinVar:

ClinVar aggregate classification (germline): Uncertain significance (1 of 4 stars; one submission).

Conditions:
Inborn genetic diseases. Identifiers: MedGen C0950123, MeSH D030342.

Submission:

Ambry Genetics
Classification: Uncertain significance for Inborn genetic diseases. Last evaluated: 2024-12-16. Review status: criteria provided, single submitter. Criteria: Ambry Variant Classification Scheme 2023. Collection method: clinical testing. Allele origin: germline.
Comment: The p.E547K variant (also known as c.1639G>A), located in coding exon 17 of the ANKRD26 gene, results from a G to A substitution at nucleotide position 1639. The glutamic acid at codon 547 is replaced by lysine, an amino acid with similar properties. This amino acid position is conserved. In addition, this alteration is predicted to be tolerated by in silico analysis. Based on the available evidence, the clinical significance of this variant remains unclear.

NM_014915.3(ANKRD26):c.1639G>A (p.Glu547Lys)

Gene: ANKRD26 (ankyrin repeat domain containing 26; minus strand). Cytogenetic location: 10p12.1.
Variant type: single nucleotide variant.
Coding change: c.1639G>A on transcript NM_014915.3 (MANE Select); coding-DNA position 1639, G replaced by A.
Protein change: p.Glu547Lys; replaces glutamic acid 547 with lysine.
Molecular consequence: missense variant.
Genome position (GRCh38, 1-based): chr10:27,048,976, C>T on the plus strand (G>A on the coding strand, the complement: ANKRD26 is on the minus strand). VCF-style: chr10-27048976-C-T. GRCh37 (hg19) VCF-style: chr10-27337905-C-T.
Other names: c.1639G>A, p.Glu547Lys (NM_001256053.2); short protein forms E547K.
Identifiers: ClinVar variation 3869338 (VCV003869338.1).